The following is an entry in ClinVar:

ClinVar aggregate classification (germline): Pathogenic/Likely pathogenic. Review status: criteria provided, multiple submitters, no conflicts (2 of 4 stars). 2 submissions from 2 submitters: Pathogenic (1); Likely pathogenic (1). Last evaluated 2023-02-28.

Conditions:
Intellectual developmental disorder 62. Also called: MENTAL RETARDATION, AUTOSOMAL DOMINANT 62; INTELLECTUAL DEVELOPMENTAL DISORDER, AUTOSOMAL DOMINANT 62. Identifiers: MedGen C5394083, MONDO:0032919, OMIM 618793.

Submissions (2):

Tumer Group, Copenhagen University Hospital, Rigshospitalet
Classification: Likely pathogenic for Intellectual developmental disorder 62. Last evaluated: 2023-02-28. Review status: criteria provided, single submitter. Criteria: ACMG Guidelines, 2015. Collection method: research. Allele origin: de novo. Affected: yes.

Institute of Human Genetics, University of Leipzig Medical Center
Classification: Pathogenic for Intellectual developmental disorder 62. Last evaluated: 2020-09-21. Review status: criteria provided, single submitter. Criteria: ACMG Guidelines, 2015. Collection method: clinical testing. Allele origin: de novo. Affected: yes.
Comment: This variant was identified as de novo (maternity and paternity confirmed).

NM_001321075.3(DLG4):c.1866+2T>C

Gene: DLG4 (discs large MAGUK scaffold protein 4; minus strand). Cytogenetic location: 17p13.1.
Variant type: single nucleotide variant.
Coding change: c.1866+2T>C on transcript NM_001321075.3 (MANE Select); the canonical splice donor site of the intron after coding-DNA position 1866, T replaced by C.
Molecular consequence: splice donor variant.
Genome position (GRCh38, 1-based): chr17:7,192,943, A>G on the plus strand (T>C on the coding strand, the complement: DLG4 is on the minus strand). VCF-style: chr17-7192943-A-G. GRCh37 (hg19) VCF-style: chr17-7096262-A-G.
Other names: c.1995+2T>C (NM_001365.5); c.1857+2T>C (NM_001128827.4); c.1785+2T>C (NM_001369566.3); c.1686+2T>C (NM_001321077.3, NM_001321076.3); c.1986+2T>C (NM_001321074.1).
Identifiers: ClinVar variation 1285581 (VCV001285581.2), dbSNP rs2142821543, ClinGen allele CA397714567.